The following is an entry in ClinVar:

ClinVar aggregate classification (germline): Uncertain significance. Review status: criteria provided, multiple submitters, no conflicts (2 of 4 stars). 2 submissions from 2 submitters: Uncertain significance (2). Last evaluated 2024-02-24.

gnomAD v4.1: 1 of 1,614,102 alleles (0.000062%); highest among the groups gnomAD compares: Admixed American, 0.0017%; no homozygotes.

Submissions (2):

Labcorp Genetics (formerly Invitae), Labcorp
Classification: Uncertain significance. Last evaluated: 2024-02-24. Review status: criteria provided, single submitter. Criteria: Invitae Variant Classification Sherloc (09022015). Collection method: clinical testing. Allele origin: germline.
Comment: This sequence change replaces glutamic acid, which is acidic and polar, with glutamine, which is neutral and polar, at codon 1058 of the ABCA4 protein (p.Glu1058Gln). This variant is present in population databases (no rsID available, gnomAD no frequency). This variant has not been reported in the literature in individuals affected with ABCA4-related conditions. ClinVar contains an entry for this variant (Variation ID: 1509268). Advanced modeling of protein sequence and biophysical properties (such as structural, functional, and spatial information, amino acid conservation, physicochemical variation, residue mobility, and thermodynamic stability) has been performed at Invitae for this missense variant, however the output from this modeling did not meet the statistical confidence thresholds required to predict the impact of this variant on ABCA4 protein function. In summary, the available evidence is currently insufficient to determine the role of this variant in disease. Therefore, it has been classified as a Variant of Uncertain Significance.

Blueprint Genetics
Classification: Uncertain significance. Last evaluated: 2023-11-23. Review status: criteria provided, single submitter. Criteria: ACMG Guidelines, 2015. Collection method: clinical testing. Allele origin: germline.

NM_000350.3(ABCA4):c.3172G>C (p.Glu1058Gln)

Gene: ABCA4 (ATP binding cassette subfamily A member 4; minus strand). Cytogenetic location: 1p22.1.
Variant type: single nucleotide variant.
Coding change: c.3172G>C on transcript NM_000350.3 (MANE Select); coding-DNA position 3172, G replaced by C.
Protein change: p.Glu1058Gln; replaces glutamic acid 1058 with glutamine.
Molecular consequence: missense variant.
Genome position (GRCh38, 1-based): chr1:94,043,354, C>G on the plus strand (G>C on the coding strand, the complement: ABCA4 is on the minus strand). VCF-style: chr1-94043354-C-G. GRCh37 (hg19) VCF-style: chr1-94508910-C-G.
Other names: c.2950G>C, p.Glu984Gln (NM_001425324.1); short protein forms E1058Q, E984Q.
Identifiers: ClinVar variation 1509268 (VCV001509268.9), dbSNP rs1265535267, ClinGen allele CA341292428.